The following is an entry in ClinVar:

ClinVar aggregate classification (germline): Uncertain significance (1 of 4 stars; one submission).

Conditions:
Hypertrophic cardiomyopathy 13. Also called: TNNC1-Related Familial Hypertrophic Cardiomyopathy. Identifiers: MedGen C2750472, MONDO:0013195, OMIM 613243.
Dilated cardiomyopathy 1Z (CMD1Z). Identifiers: Orphanet 154, MedGen C2678475, MONDO:0012745, OMIM 611879.

Submission:

Labcorp Genetics (formerly Invitae), Labcorp
Classification: Uncertain significance for Hypertrophic cardiomyopathy 13; Dilated cardiomyopathy 1Z. Last evaluated: 2025-10-10. Review status: criteria provided, single submitter. Criteria: Invitae Variant Classification Sherloc (09022015). Collection method: clinical testing. Allele origin: germline.
Comment: This sequence change replaces aspartic acid, which is acidic and polar, with histidine, which is basic and polar, at codon 62 of the TNNC1 protein (p.Asp62His). This variant is not present in population databases (gnomAD no frequency). This variant has not been reported in the literature in individuals affected with TNNC1-related conditions. An algorithm developed to predict the effect of missense changes on protein structure and function (PolyPhen-2) suggests that this variant is likely to be disruptive. In summary, the available evidence is currently insufficient to determine the role of this variant in disease. Therefore, it has been classified as a Variant of Uncertain Significance.

NM_003280.3(TNNC1):c.184G>C (p.Asp62His)

Gene: TNNC1 (troponin C1, slow skeletal and cardiac type; minus strand). Cytogenetic location: 3p21.1.
Variant type: single nucleotide variant.
Coding change: c.184G>C on transcript NM_003280.3 (MANE Select); coding-DNA position 184, G replaced by C.
Protein change: p.Asp62His; replaces aspartic acid 62 with histidine.
Molecular consequence: missense variant.
Genome position (GRCh38, 1-based): chr3:52,452,124, C>G on the plus strand (G>C on the coding strand, the complement: TNNC1 is on the minus strand). VCF-style: chr3-52452124-C-G. GRCh37 (hg19) VCF-style: chr3-52486140-C-G.
Other names: short protein forms D62H.
Identifiers: ClinVar variation 4786376 (VCV004786376.1).